The following is an entry in ClinVar:

ClinVar aggregate classification (germline): Likely benign. Review status: criteria provided, multiple submitters, no conflicts (2 of 4 stars). 2 submissions from 2 submitters: Likely benign (2). Last evaluated 2018-01-13.

Conditions:
Mannose-binding lectin deficiency. Also called: LECTIN COMPLEMENT ACTIVATION PATHWAY, DEFECT IN, 1; MBP DEFICIENCY; MBL DEFICIENCY; MBL2 DEFICIENCY; Chronic infections, due to MBL deficiency. Identifiers: MedGen C3280586, MONDO:0013714, OMIM 614372.

Allele frequency attached by ClinVar (database versions not stated): 1000 Genomes Project 30x 0.28014; gnomAD 0.28375 and 0.28974; TOPMed 0.28791; 1000 Genomes Project 0.27416.

Submissions (2):

Illumina Laboratory Services, Illumina
Classification: Likely benign for Mannose-binding lectin deficiency. Last evaluated: 2018-01-13. Review status: criteria provided, single submitter. Criteria: ICSL Variant Classification Criteria 13 December 2019. Collection method: clinical testing. Allele origin: germline.
Comment: This variant was observed in the ICSL laboratory as part of a predisposition screen in an ostensibly healthy population. It had not been previously curated by ICSL or reported in the Human Gene Mutation Database (HGMD: prior to June 1st, 2018), and was therefore a candidate for classification through an automated scoring system. Utilizing variant allele frequency, disease prevalence and penetrance estimates, and inheritance mode, an automated score was calculated to assess if this variant is too frequent to cause the disease. Based on the score and internal cut-off values, a variant classified as likely benign is not then subjected to further curation. The score for this variant resulted in a classification of likely benign for this disease.

Breakthrough Genomics
Classification: Likely benign. Review status: criteria provided, single submitter. Criteria: ACMG Guidelines, 2015. Collection method: not provided. Allele origin: germline. Inheritance: Autosomal dominant inheritance. Affected: yes.

NM_001378373.1(MBL2):c.*1879A>C

Gene: MBL2 (mannose binding lectin 2; minus strand). Cytogenetic location: 10q21.1.
Variant type: single nucleotide variant.
Coding change: c.*1879A>C on transcript NM_001378373.1 (MANE Select); 1879 bases downstream of the stop codon, A replaced by C.
Molecular consequence: 3 prime UTR variant.
Genome position (GRCh38, 1-based): chr10:52,766,258, T>G on the plus strand (A>C on the coding strand, the complement: MBL2 is on the minus strand). VCF-style: chr10-52766258-T-G. GRCh37 (hg19) VCF-style: chr10-54526018-T-G.
Other names: c.*1879A>C (NM_000242.3, NM_001378374.1).
Identifiers: ClinVar variation 300118 (VCV000300118.6), dbSNP rs2120131, ClinGen allele CA10631786.